The following is an entry in ClinVar:

NM_014251.3(SLC25A13):c.1592-2A>T

Gene: SLC25A13 (solute carrier family 25 member 13; minus strand). Cytogenetic location: 7q21.3.
Variant type: single nucleotide variant.
Coding change: c.1592-2A>T on transcript NM_014251.3 (MANE Select); the canonical splice acceptor site of the intron before coding-DNA position 1592, A replaced by T.
Molecular consequence: splice acceptor variant.
Genome position (GRCh38, 1-based): chr7:96,121,999, T>A on the plus strand (A>T on the coding strand, the complement: SLC25A13 is on the minus strand). VCF-style: chr7-96121999-T-A. GRCh37 (hg19) VCF-style: chr7-95751311-T-A.
Other names: c.1595-2A>T (NM_001160210.2).
Identifiers: ClinVar variation 4061581 (VCV004061581.2).
Genomic context (GRCh38, chr7:96,121,999, plus strand): 5'-CACCTGTAATCTCGTCTTGATAACATCAGCAGGGGTCACTAAAGATGCTGCAGGCATACC[T>A]GCAGGAGAGACACAACACCATCTCAGTCTGGTCACATTCTCACTATATAAAAATAACTGT-3'

ClinVar aggregate classification (germline): Likely pathogenic (1 of 4 stars; one submission).

Conditions:
Citrullinemia. Identifiers: Orphanet 187, MedGen C0175683, MONDO:0015991.

Submission:

Natera, Inc.
Classification: Likely pathogenic for Citrullinemia. Last evaluated: 2025-02-10. Review status: criteria provided, single submitter. Criteria: Natera Variant Classification Schema (03/2026). Collection method: clinical testing. Allele origin: germline.
Comment: The c.1592-2A>T variant in SLC25A13 is a canonical splice acceptor site variant predicted to affect pre-mRNA splicing, which may result in an abnormal transcript and altered protein product. This variant is expected to result in nonsense mediated decay, truncation, or a dysfunctional protein product. This variant is rare in the general population with a frequency below the threshold expected for the associated phenotype(s). Given the available evidence, this variant is classified as Likely Pathogenic.